The following is an entry in ClinVar:

ClinVar aggregate classification (germline): Uncertain significance (1 of 4 stars; one submission).

Submission:

Labcorp Genetics (formerly Invitae), Labcorp
Classification: Uncertain significance. Last evaluated: 2022-06-15. Review status: criteria provided, single submitter. Criteria: Invitae Variant Classification Sherloc (09022015). Collection method: clinical testing. Allele origin: germline.
Comment: In summary, the available evidence is currently insufficient to determine the role of this variant in disease. Therefore, it has been classified as a Variant of Uncertain Significance. Algorithms developed to predict the effect of missense changes on protein structure and function (SIFT, PolyPhen-2, Align-GVGD) all suggest that this variant is likely to be disruptive. This variant has not been reported in the literature in individuals affected with CARD8-related conditions. This variant is not present in population databases (gnomAD no frequency). This sequence change replaces valine, which is neutral and non-polar, with glutamic acid, which is acidic and polar, at codon 234 of the CARD8 protein (p.Val234Glu).

NM_001184900.3(CARD8):c.851T>A (p.Val284Glu)

Gene: CARD8 (caspase recruitment domain family member 8; minus strand). Cytogenetic location: 19q13.33.
Variant type: single nucleotide variant.
Coding change: c.851T>A on transcript NM_001184900.3 (MANE Select); coding-DNA position 851, T replaced by A.
Protein change: p.Val284Glu; replaces valine 284 with glutamic acid.
Molecular consequence: missense variant. On other transcripts: non-coding transcript variant (4).
Genome position (GRCh38, 1-based): chr19:48,230,622, A>T on the plus strand (T>A on the coding strand, the complement: CARD8 is on the minus strand). VCF-style: chr19-48230622-A-T. GRCh37 (hg19) VCF-style: chr19-48733879-A-T.
Other names: c.701T>A, p.Val234Glu (NM_001184901.1, NM_001351783.2, NM_001351788.2 and 2 more transcripts); c.851T>A, p.Val284Glu (NM_001184902.2, NM_001184903.1, NM_001351782.2); c.536T>A, p.Val179Glu (NM_001351784.2, NM_001351787.2, NM_001351791.2 and 1 more transcripts); c.515T>A, p.Val172Glu (NM_001351786.2); c.608T>A, p.Val203Glu (NM_001351790.2); c.533T>A, p.Val178Glu (NM_001365950.1); short protein forms V178E, V203E, V179E, V234E, V172E, V284E.
Identifiers: ClinVar variation 2006951 (VCV002006951.4), dbSNP rs2514707584, ClinGen allele CA406643994.